The following is an entry in ClinVar:

ClinVar aggregate classification (germline): Uncertain significance. Review status: criteria provided, multiple submitters, no conflicts (2 of 4 stars). 2 submissions from 2 submitters: Uncertain significance (2). Last evaluated 2025-01-28.

Conditions:
Charcot-Marie-Tooth disease type 2. Also called: Charcot-Marie-Tooth type 2. Identifiers: Orphanet 64746, MedGen C0270914, MONDO:0018993.

Allele frequency attached by ClinVar (database versions not stated): 1000 Genomes Project 0.00020; 1000 Genomes Project 30x 0.00016.
gnomAD v4.1: 5 of 1,613,988 alleles (0.00031%); highest among the groups gnomAD compares: East Asian, 0.0045%; no homozygotes.

Submissions (2):

Labcorp Genetics (formerly Invitae), Labcorp
Classification: Uncertain significance for Charcot-Marie-Tooth disease type 2. Last evaluated: 2025-01-28. Review status: criteria provided, single submitter. Criteria: Invitae Variant Classification Sherloc (09022015). Collection method: clinical testing. Allele origin: germline.
Comment: This sequence change falls in intron 45 of the KIF1B gene. It does not directly change the encoded amino acid sequence of the KIF1B protein. It affects a nucleotide within the consensus splice site. This variant is not present in population databases (gnomAD no frequency). This variant has not been reported in the literature in individuals affected with KIF1B-related conditions. ClinVar contains an entry for this variant (Variation ID: 1745672). Variants that disrupt the consensus splice site are a relatively common cause of aberrant splicing (PMID: 17576681, 9536098). Algorithms developed to predict the effect of sequence changes on RNA splicing suggest that this variant is not likely to affect RNA splicing. In summary, the available evidence is currently insufficient to determine the role of this variant in disease. Therefore, it has been classified as a Variant of Uncertain Significance.

Ambry Genetics
Classification: Uncertain significance. Last evaluated: 2023-07-31. Review status: criteria provided, single submitter. Criteria: Ambry Variant Classification Scheme 2023. Collection method: clinical testing. Allele origin: germline.
Comment: The c.5151+4C>T intronic variant results from a C to T substitution 4 nucleotides after coding exon 44 in the KIF1B gene. This nucleotide position is poorly conserved in available vertebrate species. In silico splice site analysis predicts that this alteration will not have any significant effect on splicing. The evidence for this gene-disease relationship is limited; therefore, the clinical significance of this alteration is unclear.

Literature cited by the submitters: PubMed 17576681 (cited by Labcorp Genetics (formerly Invitae), Labcorp); PubMed 9536098 (cited by Labcorp Genetics (formerly Invitae), Labcorp).

NM_001365951.3(KIF1B):c.5289+4C>T

Gene: KIF1B (kinesin family member 1B; plus strand). Cytogenetic location: 1p36.22.
Variant type: single nucleotide variant.
Coding change: c.5289+4C>T on transcript NM_001365951.3 (MANE Select); 4 bases into the intron after coding-DNA position 5289, C replaced by T.
Molecular consequence: intron variant.
Genome position (GRCh38, 1-based): chr1:10,375,050, C>T. VCF-style: chr1-10375050-C-T. GRCh37 (hg19) VCF-style: chr1-10435108-C-T.
Other names: c.5151+4C>T (NM_015074.3); c.5289+4C>T (NM_001365952.1).
Identifiers: ClinVar variation 1745672 (VCV001745672.5), dbSNP rs182657577, ClinGen allele CA17856453.